The following is an entry in ClinVar:

ClinVar aggregate classification (germline): Benign/Likely benign. Review status: criteria provided, multiple submitters, no conflicts (2 of 4 stars). 2 submissions from 2 submitters: Benign (1); Likely benign (1). Last evaluated 2024-07-12.

Conditions:
Hereditary cancer-predisposing syndrome. Also called: Hereditary Cancer Syndrome; Neoplastic Syndromes, Hereditary; Tumor predisposition; Hereditary neoplastic syndrome. Identifiers: Orphanet 140162, MedGen C0027672, MeSH D009386, MONDO:0015356.
BAP1-related tumor predisposition syndrome (TPDS1). Also called: Tumor susceptibility linked to germline BAP1 mutations; COMMON Syndrome; TUMOR PREDISPOSITION SYNDROME 1; BAP1 tumor predisposition syndrome. Identifiers: Orphanet 289539, MedGen C3280492, MONDO:0013692, OMIM 614327.

Allele frequency attached by ClinVar (database versions not stated): TOPMed below 0.00001.

Submissions (2):

Myriad Genetics, Inc.
Classification: Benign for BAP1-related tumor predisposition syndrome. Last evaluated: 2024-07-12. Review status: criteria provided, single submitter. Criteria: Myriad Autosomal Dominant, Autosomal Recessive and X-Linked Classification Criteria (2023). Collection method: clinical testing. Allele origin: unknown.
Comment: This variant is considered benign. This variant is a silent/synonymous amino acid change and it is not expected to impact splicing.

Ambry Genetics
Classification: Likely benign for Hereditary cancer-predisposing syndrome. Last evaluated: 2020-05-03. Review status: criteria provided, single submitter. Criteria: Ambry Variant Classification Scheme 2023. Collection method: clinical testing. Allele origin: germline.

NM_004656.4(BAP1):c.489G>C (p.Arg163=)

Gene: BAP1 (BRCA1 associated deubiquitinase 1; minus strand). Cytogenetic location: 3p21.1.
Variant type: single nucleotide variant.
Coding change: c.489G>C on transcript NM_004656.4 (MANE Select); coding-DNA position 489, G replaced by C.
Protein change: p.Arg163=; no amino-acid change (arginine 163 retained).
Molecular consequence: synonymous variant.
Genome position (GRCh38, 1-based): chr3:52,407,265, C>G on the plus strand (G>C on the coding strand, the complement: BAP1 is on the minus strand). VCF-style: chr3-52407265-C-G. GRCh37 (hg19) VCF-style: chr3-52441281-C-G.
Other names: c.489G>C, p.Arg163= (NM_001410772.1).
Identifiers: ClinVar variation 1743914 (VCV001743914.3), dbSNP rs1705195985, ClinGen allele CA433777227.
Genomic context (GRCh38, chr3:52,407,265, plus strand): 5'-CAGCTCAAAGAGCCGGCCTGTGATAGGCACATAGCTGACAAAGTGGAACGCCTCCATGGT[C>G]CGCACTGCACTAAGGCCATTCTGCTTCTCAGGGAGGTGGCGTGGCTCGGGCCTGGGGAAA-3'
Protein context (NP_004647.1, residues 153-173): PEKQNGLSAV[Arg163=]TMEAFHFVSY